The following is an entry in ClinVar:

ClinVar aggregate classification (germline): Conflicting classifications of pathogenicity. Review status: criteria provided, conflicting classifications (1 of 4 stars). 3 submissions from 3 submitters: Likely pathogenic (2); Uncertain significance (1). Last evaluated 2025-04-25.

Conditions:
Striatonigral degeneration, childhood-onset (SNDC). Also called: LENK-PLOSKI SYNDROME. Identifiers: Orphanet 497906, MedGen C4310743, MONDO:0014889, OMIM 617054.
Inborn genetic diseases. Identifiers: MedGen C0950123, MeSH D030342.

Allele frequency attached by ClinVar (database versions not stated): gnomAD 0.00001; TOPMed 0.00001.
gnomAD v4.1: 1 of 1,613,828 alleles (0.000062%); highest among the groups gnomAD compares: African/African-American, 0.0013%; no homozygotes.

Submissions (3):

Ambry Genetics
Classification: Likely pathogenic for Inborn genetic diseases. Last evaluated: 2025-04-25. Review status: criteria provided, single submitter. Criteria: Ambry Variant Classification Scheme 2023. Collection method: clinical testing. Allele origin: germline.
Comment: The c.2005G>T (p.V669L) alteration is located in coding exon 17 of the VAC14 gene. This alteration results from a G to T substitution at nucleotide position 2005, causing the valine (V) at amino acid position 669 to be replaced by a leucine (L). This variant was not reported in population-based cohorts in the Genome Aggregation Database (gnomAD). This variant has been identified in the homozygous state in an individual with features consistent with VAC14-related neurological disorder (external communication). This amino acid position is highly conserved in available vertebrate species. This alteration is predicted to be deleterious by in silico analysis. Based on the available evidence, this alteration is classified as likely pathogenic.

GeneDx
Classification: Likely pathogenic. Last evaluated: 2024-11-06. Review status: criteria provided, single submitter. Criteria: GeneDx Variant Classification Process June 2021. Collection method: clinical testing. Allele origin: germline. Affected: yes.
Comment: In silico analysis supports that this missense variant has a deleterious effect on protein structure/function; Not observed at significant frequency in large population cohorts (gnomAD); This variant is associated with the following publications: (PMID: 27292112, 31876398, 32949958, 31387860)

Genome Medicine, Institute for Basic Research in Developmental Disabilities
Classification: Uncertain significance for Striatonigral degeneration, childhood-onset. Review status: criteria provided, single submitter. Criteria: ACMG Guidelines, 2015. Collection method: clinical testing. Allele origin: inherited. Inheritance: Autosomal recessive inheritance. Affected: yes. Observed: 2 variant alleles, 2 homozygotes. Clinical features observed: Developmental regression (HP:0002376), Unsteady gait (HP:0002317), Craniofacial dystonia (HP:0012179), Global developmental delay (HP:0001263), Polyhydramnios (HP:0001561), Short finger (HP:0009381), Loss of ambulation (HP:0006957), Delayed speech and language development (HP:0000750).
Comment: Whole-exome sequencing was used to identify the genetic etiology of a rapidly progressing neurological disease present in two of six siblings with early childhood onset of severe progressive spastic paraparesis and learning disabilities. A homozygous mutation (c.2005G>T, p.V669L) was found in VAC14, and the clinical phenotype is consistent with the recently described VAC-related striatonigral degeneration, childhood-onset syndrome (SNDC) (MIM#617054). Brain magnetic resonance imaging (MRI) revealed abnormal magnetic susceptibility in the globus pallidus, which can be seen in neurodegeneration with brain iron accumulation (NBIA). RP is a group of inherited retinal diseases with phenotypic/genetic heterogeneity, and the pathophysiologic basis of RP is not completely understood but is thought to be due to a primary retinal photoreceptor cell degenerative process. Most cases of RP are seen in isolation (non-syndromic); this is a report of RP in two siblings with VAC14-associated syndrome, and it is suggested that a connection between RP and VAC14-associated syndrome should be explored in future studies.

Literature cited by the submitters: PubMed 27292112 (cited by Ambry Genetics).

NM_018052.5(VAC14):c.2005G>T (p.Val669Leu)

Gene: VAC14 (VAC14 component of PIKFYVE complex; minus strand). Cytogenetic location: 16q22.1.
Variant type: single nucleotide variant.
Coding change: c.2005G>T on transcript NM_018052.5 (MANE Select); coding-DNA position 2005, G replaced by T.
Protein change: p.Val669Leu; replaces valine 669 with leucine.
Molecular consequence: missense variant.
Genome position (GRCh38, 1-based): chr16:70,695,574, C>A on the plus strand (G>T on the coding strand, the complement: VAC14 is on the minus strand). VCF-style: chr16-70695574-C-A. GRCh37 (hg19) VCF-style: chr16-70729477-C-A.
Other names: c.1303G>T, p.Val435Leu (NM_001351157.2); short protein forms V669L, V435L.
Identifiers: ClinVar variation 638191 (VCV000638191.10), dbSNP rs1363536856, ClinGen allele CA396589168.